The following is an entry in ClinVar:

NM_001042492.3(NF1):c.722del (p.Asp241fs)

Gene: NF1 (neurofibromin 1; plus strand). Cytogenetic location: 17q11.2.
Variant type: Deletion.
Coding change: c.722del on transcript NM_001042492.3 (MANE Select); coding-DNA position 722, one base deleted (A; older notation c.722delA).
Protein change: p.Asp241fs; shifts the reading frame from aspartic acid 241.
Molecular consequence: frameshift variant.
Genome position (GRCh38, 1-based): chr17:31,181,777, A deleted. VCF-style (leftmost placement, unchanged base first): chr17-31181776-GA-G. GRCh37 (hg19) VCF-style: chr17-29508794-GA-G.
Other names: p.Asp241Valfs*40; c.722delA, p.Asp241Valfs (NM_000267.4); c.722del, p.Asp241fs (NM_001128147.3); short protein forms D241fs.
Identifiers: ClinVar variation 3381156 (VCV003381156.1).

ClinVar aggregate classification (germline): Likely pathogenic (1 of 4 stars; one submission).

Submission:

Mayo Clinic Laboratories, Mayo Clinic
Classification: Likely pathogenic. Last evaluated: 2023-09-26. Review status: criteria provided, single submitter. Criteria: ACMG Guidelines, 2015. Collection method: clinical testing. Allele origin: germline. Observed: 1 variant allele.
Comment: PM2_moderate, PVS1